The following is an entry in ClinVar:

ClinVar aggregate classification (germline): Uncertain significance (1 of 4 stars; one submission).

Submission:

Labcorp Genetics (formerly Invitae), Labcorp
Classification: Uncertain significance. Last evaluated: 2022-05-08. Review status: criteria provided, single submitter. Criteria: Invitae Variant Classification Sherloc (09022015). Collection method: clinical testing. Allele origin: germline.
Comment: This sequence change creates a premature translational stop signal (p.Thr1479Ilefs*8) in the TOP2B gene. It is expected to result in an absent or disrupted protein product. However, the current clinical and genetic evidence is not sufficient to establish whether loss-of-function variants in TOP2B cause disease. This variant is not present in population databases (gnomAD no frequency). This variant has not been reported in the literature in individuals affected with TOP2B-related conditions. In summary, the available evidence is currently insufficient to determine the role of this variant in disease. Therefore, it has been classified as a Variant of Uncertain Significance.

NM_001330700.2(TOP2B):c.4451_4454del (p.Thr1484fs)

Gene: TOP2B (DNA topoisomerase II beta; minus strand). Cytogenetic location: 3p24.2.
Variant type: Microsatellite.
Coding change: c.4451_4454del on transcript NM_001330700.2 (MANE Select); coding-DNA positions 4451 to 4454, 4 bases deleted (CAGA; older notation c.4451_4454delCAGA).
Protein change: p.Thr1484fs; shifts the reading frame from threonine 1484.
Molecular consequence: frameshift variant.
Genome position (GRCh38, 1-based): chr3:25,604,795-25,604,798, TCTG deleted on the plus strand (CAGA on the coding strand, the reverse complement: TOP2B is on the minus strand); deleting any 4 consecutive bases within chr3:25,604,795-25,604,803 gives the same sequence; the c. name uses the placement nearest the transcript's 3' end. VCF-style (leftmost placement, unchanged base first): chr3-25604794-ATCTG-A. GRCh37 (hg19) VCF-style: chr3-25646285-ATCTG-A.
Other names: c.4436_4439del, p.Thr1479fs (NM_001068.3); short protein forms T1479fs, T1484fs.
Identifiers: ClinVar variation 2135584 (VCV002135584.4), dbSNP rs2529865080, ClinGen allele CA432838929.
Genomic context (GRCh38, chr3:25,604,794, plus strand): 5'-TAACTCAATCAAATATAAGTACATACCCTTTTTAGCAGCTACCGTTTTACTTGGAACTTT[ATCTG>A]TCTGTTTCAGACCAAATGATGGTGAAAAAACAGAAGCAGAATCTTCTTCATTACTGTCAA-3'